The following is an entry in ClinVar:

ClinVar aggregate classification (germline): Uncertain significance (1 of 4 stars; one submission).

Conditions:
Capillary malformation-arteriovenous malformation syndrome. Also called: Capillary malformation-arteriovenous malformation. Identifiers: Orphanet 137667, MedGen C1842180, MONDO:0012016.

Allele frequency attached by ClinVar (database versions not stated): TOPMed 0.00003; gnomAD 0.00004; gnomAD exomes 0.00005 and 0.00010; ESP Exome Variant Server 0.00008; ExAC 0.00017.
gnomAD v4.1: 84 of 1,614,100 alleles (0.0052%); highest among the groups gnomAD compares: Non-Finnish European, 0.0057%; no homozygotes.

Submission:

Labcorp Genetics (formerly Invitae), Labcorp
Classification: Uncertain significance for Capillary malformation-arteriovenous malformation syndrome. Last evaluated: 2026-02-03. Review status: criteria provided, single submitter. Criteria: Invitae Variant Classification Sherloc (09022015). Collection method: clinical testing. Allele origin: germline.
Comment: This sequence change replaces glycine, which is neutral and non-polar, with valine, which is neutral and non-polar, at codon 156 of the RASA1 protein (p.Gly156Val). The frequency data for this variant in the population databases is considered unreliable, as metrics indicate poor data quality at this position in the gnomAD database. This missense change has been observed in individual(s) with clinical features of capillary malformation-arteriovenous malformations (CM-AVM) (PMID: 29891884). ClinVar contains an entry for this variant (Variation ID: 578013). An algorithm developed to predict the effect of missense changes on protein structure and function (PolyPhen-2) suggests that this variant is likely to be tolerated. In summary, the available evidence is currently insufficient to determine the role of this variant in disease. Therefore, it has been classified as a Variant of Uncertain Significance.

Literature cited by the submitters: PubMed 29891884.

NM_002890.3(RASA1):c.467G>T (p.Gly156Val)

Gene: RASA1 (RAS p21 protein activator 1; plus strand). Cytogenetic location: 5q14.3.
Variant type: single nucleotide variant.
Coding change: c.467G>T on transcript NM_002890.3 (MANE Select); coding-DNA position 467, G replaced by T.
Protein change: p.Gly156Val; replaces glycine 156 with valine.
Molecular consequence: missense variant.
Genome position (GRCh38, 1-based): chr5:87,268,918, G>T. VCF-style: chr5-87268918-G-T. GRCh37 (hg19) VCF-style: chr5-86564735-G-T.
Other names: short protein forms G156V.
Identifiers: ClinVar variation 578013 (VCV000578013.48), dbSNP rs373892264, ClinGen allele CA3335440.
Genomic context (GRCh38, chr5:87,268,918, plus strand): 5'-CTCTGCCCCCTCCCCCTTACCTGCCCCCTTTGGGGGCGGGCCTCGGGACAGTGGACGAAG[G>T]TGACTCTCTGGATGGACCAGAATACGAGGAGGAAGAGGTGGCCATACCGTTGACCGCTCC-3'
Protein context (NP_002881.1, residues 146-166): LGAGLGTVDE[Gly156Val]DSLDGPEYEE